The following is an entry in ClinVar:

ClinVar aggregate classification (germline): Conflicting classifications of pathogenicity. Review status: criteria provided, conflicting classifications (1 of 4 stars). 7 submissions from 7 submitters: Uncertain significance (4); Likely benign (2). 1 of the submissions does not count toward it. Last evaluated 2025-12-22.

Conditions:
Hereditary cancer-predisposing syndrome. Also called: Hereditary Cancer Syndrome; Neoplastic Syndromes, Hereditary; Tumor predisposition; Hereditary neoplastic syndrome. Identifiers: Orphanet 140162, MedGen C0027672, MeSH D009386, MONDO:0015356.
Breast-ovarian cancer, familial, susceptibility to, 2 (BROVCA2). Also called: BRCA2 Hereditary Breast and Ovarian Cancer. Identifiers: Orphanet 145, MedGen C2675520, MONDO:0012933, OMIM 612555. Disease mechanism: loss of function.
Hereditary breast ovarian cancer syndrome. Also called: Hereditary breast and/or ovarian cancer syndrome; BRCA1- and BRCA2-Associated Hereditary Breast and Ovarian Cancer; Hereditary breast and ovarian cancer syndrome (HBOC); Hereditary breast and ovarian cancer; Hereditary breast and ovarian cancer syndrome; Breast and ovarian cancer. Identifiers: Orphanet 145, MedGen C0677776, MeSH D061325, MONDO:0003582. Disease mechanism: loss of function.

Allele frequency attached by ClinVar (database versions not stated): gnomAD exomes below 0.00001 and 0.00001; ExAC 0.00001.
gnomAD v4.1: 8 of 1,605,570 alleles (0.0005%); highest among the groups gnomAD compares: Non-Finnish European, 0.00068%; no homozygotes.

Submissions (7):

Labcorp Genetics (formerly Invitae), Labcorp
Classification: Uncertain significance for Hereditary breast ovarian cancer syndrome. Last evaluated: 2025-12-22. Review status: criteria provided, single submitter. Criteria: Invitae Variant Classification Sherloc (09022015). Collection method: clinical testing. Allele origin: germline.
Comment: This sequence change replaces valine, which is neutral and non-polar, with alanine, which is neutral and non-polar, at codon 831 of the BRCA2 protein (p.Val831Ala). This variant is present in population databases (rs779520270, gnomAD 0.0009%). This missense change has been observed in individual(s) with clinical features of BRCA2-related conditions (PMID: 21520333). ClinVar contains an entry for this variant (Variation ID: 231761). Invitae Evidence Modeling of protein sequence and biophysical properties (such as structural, functional, and spatial information, amino acid conservation, physicochemical variation, residue mobility, and thermodynamic stability) indicates that this missense variant is not expected to disrupt BRCA2 protein function with a negative predictive value of 95%. In summary, the available evidence is currently insufficient to determine the role of this variant in disease. Therefore, it has been classified as a Variant of Uncertain Significance.

Quest Diagnostics Nichols Institute San Juan Capistrano
Classification: Uncertain significance. Last evaluated: 2025-07-07. Review status: criteria provided, single submitter. Criteria: Quest Diagnostics criteria. Collection method: clinical testing. Allele origin: unknown.
Comment: The BRCA2 c.2492T>C (p.Val831Ala) variant has been reported in the published literature in an individual with breast cancer (PMID: 33471991 (2021), see also LOVD), and described to be located in a region of the BRCA2 gene that is tolerant to missense sequence changes (PMID: 31911673 (2020)). The frequency of this variant in the general population (Genome Aggregation Database) is uninformative in the assessment of its pathogenicity. Analysis of this variant using bioinformatics tools for the prediction of the effect of amino acid changes on protein structure and function yielded predictions that this variant is benign. Based on the available information, we are unable to determine the clinical significance of this variant.

All of Us Research Program, National Institutes of Health
Classification: Uncertain significance for Breast-ovarian cancer, familial, susceptibility to, 2. Last evaluated: 2023-08-15. Review status: criteria provided, single submitter. Criteria: ACMG Guidelines, 2015. Collection method: clinical testing. Allele origin: germline. Inheritance: Autosomal dominant inheritance. Observed: 1 variant allele, 1 heterozygote.
Comment: This missense variant replaces valine with alanine at codon 831 of the BRCA2 protein. Computational prediction suggests that this variant may not impact protein structure and function (internally defined REVEL score threshold <= 0.5, PMID: 27666373). Splice site prediction tools suggest that this variant may not impact RNA splicing. To our knowledge, functional studies have not been performed for this variant. This variant has not been reported in individuals affected with hereditary cancer in the literature. This variant has been identified in 1/242376 chromosomes in the general population by the Genome Aggregation Database (gnomAD). The available evidence is insufficient to determine the role of this variant in disease conclusively. Therefore, this variant is classified as a Variant of Uncertain Significance.

This study involves interpretation of variants in research participants for the purpose of population health screening. Participant phenotype was not available at the time of variant classification. Additional details can be found in publication PMID: 35346344, PMCID: PMC8962531

Color Diagnostics, LLC DBA Color Health
Classification: Uncertain significance for Hereditary cancer-predisposing syndrome. Last evaluated: 2023-07-20. Review status: criteria provided, single submitter. Criteria: ACMG Guidelines, 2015. Collection method: clinical testing. Allele origin: germline.
Comment: This missense variant replaces valine with alanine at codon 831 of the BRCA2 protein. Computational prediction suggests that this variant may not impact protein structure and function (internally defined REVEL score threshold <= 0.5, PMID: 27666373). To our knowledge, functional studies have not been reported for this variant. This variant has not been reported in individuals affected with BRCA2-related disorders in the literature. This variant has been identified in 1/242376 chromosomes in the general population by the Genome Aggregation Database (gnomAD). The available evidence is insufficient to determine the role of this variant in disease conclusively. Therefore, this variant is classified as a Variant of Uncertain Significance.

University of Washington Department of Laboratory Medicine, University of Washington
Classification: Likely benign for Hereditary cancer-predisposing syndrome. Last evaluated: 2023-03-23. Review status: criteria provided, single submitter. Criteria: Dines et al. (Genet Med. 2020). Collection method: curation. Allele origin: germline.
Comment: Missense variant in a coldspot region where missense variants are very unlikely to be pathogenic (PMID:31911673).

BRCA2 exon 11 coldspot. Reclassification based on statistical prior probability.

Ambry Genetics
Classification: Likely benign for Hereditary cancer-predisposing syndrome. Last evaluated: 2018-06-11. Review status: criteria provided, single submitter. Criteria: Ambry Variant Classification Scheme 2023. Collection method: clinical testing. Allele origin: germline.

Department of Medical and Surgical Sciences, University of Bologna
Classification: Likely benign for Breast-ovarian cancer, familial, susceptibility to, 2. Last evaluated: 2023-09-01. Review status: no assertion criteria provided. Collection method: clinical testing. Allele origin: germline. Affected: yes. Not counted in ClinVar's aggregate classification.
Comment: PM2(Supporting)+BP1(Strong) according to ACMG/AMP classification guidelines specified for BRCA1 & BRCA2 (Classification Criteria V1.0.0 2023-09-08) (PMID: 38160042)

Literature cited by the submitters: PubMed 21520333 (cited by Labcorp Genetics (formerly Invitae), Labcorp); PubMed 31911673 (cited by Quest Diagnostics Nichols Institute San Juan Capistrano); PubMed 33471991 (cited by Quest Diagnostics Nichols Institute San Juan Capistrano); PubMed 31853058 (cited by Quest Diagnostics Nichols Institute San Juan Capistrano).

NM_000059.4(BRCA2):c.2492T>C (p.Val831Ala)

Gene: BRCA2 (BRCA2 DNA repair associated; plus strand). Cytogenetic location: 13q13.1.
Variant type: single nucleotide variant.
Coding change: c.2492T>C on transcript NM_000059.4 (MANE Select); coding-DNA position 2492, T replaced by C.
Protein change: p.Val831Ala; replaces valine 831 with alanine.
Molecular consequence: missense variant.
Genome position (GRCh38, 1-based): chr13:32,336,847, T>C. VCF-style: chr13-32336847-T-C. GRCh37 (hg19) VCF-style: chr13-32910984-T-C.
Other names: short protein forms V831A.
Identifiers: ClinVar variation 231761 (VCV000231761.23), dbSNP rs779520270, ClinGen allele CA6940608.